The following is an entry in ClinVar:

ClinVar aggregate classification (germline): Benign. Review status: reviewed by expert panel (3 of 4 stars). 7 submissions from 7 submitters: Benign (1). 6 of the submissions do not count toward it. Last evaluated 2015-01-12.

Conditions:
Hereditary cancer-predisposing syndrome. Also called: Neoplastic Syndromes, Hereditary; Hereditary Cancer Syndrome; Tumor predisposition; Hereditary neoplastic syndrome. Identifiers: Orphanet 140162, MedGen C0027672, MeSH D009386, MONDO:0015356.
Breast-ovarian cancer, familial, susceptibility to, 2 (BROVCA2). Also called: BRCA2 Hereditary Breast and Ovarian Cancer. Identifiers: Orphanet 145, MedGen C2675520, MONDO:0012933, OMIM 612555. Disease mechanism: loss of function.
Hereditary breast ovarian cancer syndrome. Also called: Hereditary breast and/or ovarian cancer syndrome; Hereditary breast and ovarian cancer syndrome; BRCA1- and BRCA2-Associated Hereditary Breast and Ovarian Cancer; Hereditary breast and ovarian cancer; Hereditary breast and ovarian cancer syndrome (HBOC); Breast and ovarian cancer. Identifiers: Orphanet 145, MedGen C0677776, MeSH D061325, MONDO:0003582. Disease mechanism: loss of function.

Allele frequency attached by ClinVar (database versions not stated): 1000 Genomes Project 30x 0.07199; 1000 Genomes Project 0.07288; TOPMed 0.09156; gnomAD 0.09182 and 0.09303.
gnomAD v4.1: 13,991 of 152,238 alleles (9.2%); highest among the groups gnomAD compares: Admixed American, 14%; 829 homozygotes.

Submissions (7):

Evidence-based Network for the Interpretation of Germline Mutant Alleles (ENIGMA)
Classification: Benign for Breast-ovarian cancer, familial 2. Last evaluated: 2015-01-12. Review status: reviewed by expert panel. Criteria: ENIGMA BRCA1/2 Classification Criteria (2015). Collection method: curation. Allele origin: germline.
Comment: Class 1 not pathogenic based on frequency >1% in an outbred sampleset. Frequency 0.0507 (Asian), 0.1346 (European), derived from 1000 genomes (2012-04-30).

Labcorp Genetics (formerly Invitae), Labcorp
Classification: Benign for Hereditary breast ovarian cancer syndrome. Last evaluated: 2026-02-02. Review status: criteria provided, single submitter. Criteria: Invitae Variant Classification Sherloc (09022015). Collection method: clinical testing. Allele origin: germline. Not counted in ClinVar's aggregate classification.

GeneDx
Classification: Benign. Last evaluated: 2018-07-09. Review status: criteria provided, single submitter. Criteria: GeneDx Variant Classification Process June 2021. Collection method: clinical testing. Allele origin: germline. Affected: yes. Not counted in ClinVar's aggregate classification.
Comment: This variant is associated with the following publications: (PMID: 22513257)

ARUP Laboratories, Molecular Genetics and Genomics, ARUP Laboratories
Classification: Benign. Last evaluated: 2016-10-12. Review status: criteria provided, single submitter. Criteria: ARUP Molecular Germline Variant Investigation Process. Collection method: clinical testing. Allele origin: germline. Not counted in ClinVar's aggregate classification.

PreventionGenetics, part of Exact Sciences
Classification: Benign. Last evaluated: 2016-01-26. Review status: criteria provided, single submitter. Criteria: ACMG Guidelines, 2015. Collection method: clinical testing. Allele origin: germline. Not counted in ClinVar's aggregate classification.

Color Diagnostics, LLC DBA Color Health
Classification: Benign for Hereditary cancer-predisposing syndrome. Last evaluated: 2014-12-06. Review status: criteria provided, single submitter. Criteria: ACMG Guidelines, 2015. Collection method: clinical testing. Allele origin: germline. Not counted in ClinVar's aggregate classification.

Breakthrough Genomics
Classification: Benign. Review status: criteria provided, single submitter. Criteria: ACMG Guidelines, 2015. Collection method: not provided. Allele origin: germline. Inheritance: Autosomal recessive inheritance. Affected: yes. Not counted in ClinVar's aggregate classification.

NM_000059.4(BRCA2):c.8755-272A>G

Gene: BRCA2 (BRCA2 DNA repair associated; plus strand). Cytogenetic location: 13q13.1.
Variant type: single nucleotide variant.
Coding change: c.8755-272A>G on transcript NM_000059.4 (MANE Select); 272 bases into the intron before coding-DNA position 8755, A replaced by G.
Molecular consequence: intron variant.
Genome position (GRCh38, 1-based): chr13:32,379,045, A>G. VCF-style: chr13-32379045-A-G. GRCh37 (hg19) VCF-style: chr13-32953182-A-G.
Other names: IVS 21-272A>G.
Identifiers: ClinVar variation 209845 (VCV000209845.22), dbSNP rs4942485, ClinGen allele CA276813.